The following is an entry in ClinVar:

ClinVar aggregate classification (germline): Pathogenic (1 of 4 stars; one submission).

Conditions:
Methylmalonic aciduria, cblA type (MACA). Also called: Methylmalonic aciduria, vitamin b12-responsive, due to defect in synthesis of adenosylcobalamin, cbla complementation type; MMA cbl A type; Methylmalonic acidemia cblA type; Vitamin B12-responsive methylmalonic acidemia type cblA; Methylmalonic aciduria, vitamin B12-responsive. Identifiers: Orphanet 28, Orphanet 79310, MedGen C1855109, MONDO:0009613, OMIM 251100.

Submission:

Labcorp Genetics (formerly Invitae), Labcorp
Classification: Pathogenic for Methylmalonic aciduria, cblA type. Last evaluated: 2025-09-23. Review status: criteria provided, single submitter. Criteria: Invitae Variant Classification Sherloc (09022015). Collection method: clinical testing. Allele origin: germline.
Comment: This sequence change creates a premature translational stop signal (p.Ile302Tyrfs*6) in the MMAA gene. It is expected to result in an absent or disrupted protein product. Loss-of-function variants in MMAA are known to be pathogenic (PMID: 15523652, 15781192). This variant is not present in population databases (gnomAD no frequency). This variant has not been reported in the literature in individuals affected with MMAA-related conditions. For these reasons, this variant has been classified as Pathogenic.

Literature cited by the submitters: PubMed 15523652; PubMed 15781192.

NM_172250.3(MMAA):c.903del (p.Ile302fs)

Gene: MMAA (metabolism of cobalamin associated A; plus strand). Cytogenetic location: 4q31.21.
Variant type: Deletion.
Coding change: c.903del on transcript NM_172250.3 (MANE Select); coding-DNA position 903, one base deleted (G; older notation c.903delG).
Protein change: p.Ile302fs; shifts the reading frame from isoleucine 302.
Molecular consequence: frameshift variant.
Genome position (GRCh38, 1-based): chr4:145,654,077, G deleted; the last of 2 consecutive G bases (chr4:145,654,076-145,654,077); deleting either gives the same sequence. VCF-style (leftmost placement, unchanged base first): chr4-145654075-AG-A. GRCh37 (hg19) VCF-style: chr4-146575227-AG-A.
Other names: c.903del, p.Ile302fs (NM_001375644.1); short protein forms I302fs.
Identifiers: ClinVar variation 4712034 (VCV004712034.1).